The following is an entry in ClinVar:

ClinVar aggregate classification (germline): Uncertain significance (1 of 4 stars; one submission).

Submission:

GeneDx
Classification: Uncertain significance. Last evaluated: 2020-01-28. Review status: criteria provided, single submitter. Criteria: GeneDx Variant Classification Process June 2021. Collection method: clinical testing. Allele origin: germline. Affected: yes.
Comment: Not observed in large population cohorts (Lek et al., 2016); In silico analysis, which includes protein predictors and evolutionary conservation, supports a deleterious effect; Has not been previously published as pathogenic or benign to our knowledge

NM_020806.5(GPHN):c.2054C>T (p.Pro685Leu)

Genes: GPHN (gephyrin; plus strand), LOC126861970 (MED14-independent group 3 enhancer GRCh37_chr14:67634697-67635896; plus strand). Cytogenetic location: 14q23.3.
Variant type: single nucleotide variant.
Coding change: c.2054C>T on transcript NM_020806.5 (MANE Select); coding-DNA position 2054, C replaced by T.
Protein change: p.Pro685Leu; replaces proline 685 with leucine.
Molecular consequence: missense variant.
Genome position (GRCh38, 1-based): chr14:67,169,011, C>T. VCF-style: chr14-67169011-C-T. GRCh37 (hg19) VCF-style: chr14-67635728-C-T.
Other names: c.2027C>T, p.Pro676Leu (NM_001377517.1); c.2012C>T, p.Pro671Leu (NM_001377518.1); c.1994C>T, p.Pro665Leu (NM_001377519.1); c.1955C>T, p.Pro652Leu (NM_001024218.2); c.2114C>T, p.Pro705Leu (NM_001377514.1); c.2084C>T, p.Pro695Leu (NM_001377515.1); c.2075C>T, p.Pro692Leu (NM_001377516.1); short protein forms P652L, P665L, P671L, P676L, P685L, P692L, P695L, P705L.
Identifiers: ClinVar variation 1314740 (VCV001314740.2), dbSNP rs867392207, ClinGen allele CA262747312.